The following is an entry in ClinVar:

ClinVar aggregate classification (germline): Uncertain significance. Review status: criteria provided, multiple submitters, no conflicts (2 of 4 stars). 2 submissions from 2 submitters: Uncertain significance (2). Last evaluated 2025-11-15.

Conditions:
Inborn genetic diseases. Identifiers: MedGen C0950123, MeSH D030342.

gnomAD v4.1: 8 of 1,614,090 alleles (0.0005%); highest among the groups gnomAD compares: African/African-American, 0.0013%; no homozygotes.

Submissions (2):

Labcorp Genetics (formerly Invitae), Labcorp
Classification: Uncertain significance. Last evaluated: 2025-11-15. Review status: criteria provided, single submitter. Criteria: Invitae Variant Classification Sherloc (09022015). Collection method: clinical testing. Allele origin: germline.
Comment: This sequence change replaces glycine, which is neutral and non-polar, with aspartic acid, which is acidic and polar, at codon 1185 of the ASXL1 protein (p.Gly1185Asp). This variant is not present in population databases (gnomAD no frequency). This variant has not been reported in the literature in individuals affected with ASXL1-related conditions. ClinVar contains an entry for this variant (Variation ID: 3438217). An algorithm developed to predict the effect of missense changes on protein structure and function (PolyPhen-2) suggests that this variant is likely to be tolerated. In summary, the available evidence is currently insufficient to determine the role of this variant in disease. Therefore, it has been classified as a Variant of Uncertain Significance.

Ambry Genetics
Classification: Uncertain significance for Inborn genetic diseases. Last evaluated: 2024-11-18. Review status: criteria provided, single submitter. Criteria: Ambry Variant Classification Scheme 2023. Collection method: clinical testing. Allele origin: germline.
Comment: The p.G1185D variant (also known as c.3554G>A), located in coding exon 13 of the ASXL1 gene, results from a G to A substitution at nucleotide position 3554. The glycine at codon 1185 is replaced by aspartic acid, an amino acid with similar properties. This amino acid position is conserved. In addition, this alteration is predicted to be tolerated by in silico analysis. Based on the available evidence, the clinical significance of this variant remains unclear.

NM_015338.6(ASXL1):c.3554G>A (p.Gly1185Asp)

Gene: ASXL1 (ASXL transcriptional regulator 1; plus strand). Cytogenetic location: 20q11.21.
Variant type: single nucleotide variant.
Coding change: c.3554G>A on transcript NM_015338.6 (MANE Select); coding-DNA position 3554, G replaced by A.
Protein change: p.Gly1185Asp; replaces glycine 1185 with aspartic acid.
Molecular consequence: missense variant.
Genome position (GRCh38, 1-based): chr20:32,436,266, G>A. VCF-style: chr20-32436266-G-A. GRCh37 (hg19) VCF-style: chr20-31024069-G-A.
Other names: c.3371G>A, p.Gly1124Asp (NM_001363734.1); short protein forms G1124D, G1185D.
Identifiers: ClinVar variation 3438217 (VCV003438217.2).
Genomic context (GRCh38, chr20:32,436,266, plus strand): 5'-GCAGCCCCAGTTCTTTAAGGGCTTTGAAGGAGCCTCTTCTGCCAGATAGCTGTGAAACAG[G>A]CACTGGTCTTGCCAGGATTGAGGCCACCCAGGCTCCTGGAGCACCCCAAAAGAATTGCAA-3'
Protein context (NP_056153.2, residues 1175-1195): EPLLPDSCET[Gly1185Asp]TGLARIEATQ